The following is an entry in ClinVar:

ClinVar aggregate classification (germline): Likely benign (1 of 4 stars; one submission).

Conditions:
Familial adenomatous polyposis 1 (FAP1). Also called: POLYPOSIS, ADENOMATOUS INTESTINAL; FAMILIAL ADENOMATOUS POLYPOSIS 1, ATTENUATED. Identifiers: MedGen C2713442, MONDO:0021056, OMIM 175100. Disease mechanism: loss of function.

Submission:

Myriad Genetics, Inc.
Classification: Likely benign for Familial adenomatous polyposis 1. Last evaluated: 2024-02-22. Review status: criteria provided, single submitter. Criteria: Myriad Autosomal Dominant, Autosomal Recessive and X-Linked Classification Criteria (2023). Collection method: clinical testing. Allele origin: unknown.
Comment: This variant is considered likely benign. This variant is intronic and is not expected to impact mRNA splicing.

NM_000038.6(APC):c.220+10A>G

Gene: APC (APC regulator of Wnt signaling pathway; plus strand). Cytogenetic location: 5q22.2.
Variant type: single nucleotide variant.
Coding change: c.220+10A>G on transcript NM_000038.6 (MANE Select); 10 bases into the intron after coding-DNA position 220, A replaced by G.
Molecular consequence: intron variant.
Genome position (GRCh38, 1-based): chr5:112,766,420, A>G. VCF-style: chr5-112766420-A-G. GRCh37 (hg19) VCF-style: chr5-112102117-A-G.
Other names: c.-816+10A>G (NM_001407470.1, NM_001407472.1, NM_001354906.2 and 1 more transcripts); c.220+10A>G (NM_001407447.1, NM_001354895.2, NM_001407456.1 and 16 more transcripts); c.250+10A>G (NM_001407446.1, NM_001354897.2, NM_001354902.2 and 1 more transcripts); c.43+10A>G (NM_001407453.1, NM_001354900.2, NM_001354901.2 and 1 more transcripts); c.145+10A>G (NM_001407451.1, NM_001354898.2, NM_001354904.2).
Identifiers: ClinVar variation 3148123 (VCV003148123.1), dbSNP rs1350313665, ClinGen allele CA2825001322.